The following is an entry in ClinVar:

ClinVar aggregate classification (germline): Uncertain significance (1 of 4 stars; one submission).

Conditions:
Myoclonic dystonia 11 (DYT11). Also called: Myoclonic dystonia; Dystonia 11; Dystonia, alcohol responsive; Hereditary essential myoclonus; SGCE Myoclonus-Dystonia; Myoclonus-Dystonia. Identifiers: Orphanet 36899, MedGen C1834570, MONDO:0008044, OMIM 159900.

Allele frequency attached by ClinVar (database versions not stated): gnomAD exomes below 0.00001; ExAC 0.00001.

Submission:

Labcorp Genetics (formerly Invitae), Labcorp
Classification: Uncertain significance for Myoclonic dystonia 11. Last evaluated: 2022-09-28. Review status: criteria provided, single submitter. Criteria: Invitae Variant Classification Sherloc (09022015). Collection method: clinical testing. Allele origin: germline.
Comment: In summary, the available evidence is currently insufficient to determine the role of this variant in disease. Therefore, it has been classified as a Variant of Uncertain Significance. Variants that disrupt the consensus splice site are a relatively common cause of aberrant splicing (PMID: 17576681, 9536098). Algorithms developed to predict the effect of sequence changes on RNA splicing suggest that this variant is not likely to affect RNA splicing. This variant has been observed in individual(s) with SGCE-related conditions (Invitae). This variant is present in population databases (rs781526985, gnomAD 0.0009%). This sequence change falls in intron 1 of the SGCE gene. It does not directly change the encoded amino acid sequence of the SGCE protein. It affects a nucleotide within the consensus splice site.

Literature cited by the submitters: PubMed 17576681; PubMed 9536098.

NM_003919.3(SGCE):c.109+4A>G

Gene: SGCE (sarcoglycan epsilon; minus strand). Cytogenetic location: 7q21.3.
Variant type: single nucleotide variant.
Coding change: c.109+4A>G on transcript NM_003919.3 (MANE Select); 4 bases into the intron after coding-DNA position 109, A replaced by G.
Molecular consequence: intron variant.
Genome position (GRCh38, 1-based): chr7:94,655,986, T>C on the plus strand (A>G on the coding strand, the complement: SGCE is on the minus strand). VCF-style: chr7-94655986-T-C. GRCh37 (hg19) VCF-style: chr7-94285298-T-C.
Other names: c.109+4A>G (NM_001362809.2, NM_001301139.2, NM_001346717.2 and 4 more transcripts); c.-155+4A>G (NM_001362807.2); c.-227+4A>G (NM_001362808.2, NM_001346720.2); c.-149+4A>G (NM_001346719.2).
Identifiers: ClinVar variation 2156410 (VCV002156410.4), dbSNP rs781526985, ClinGen allele CA4348917.